The following is an entry in ClinVar:

NM_006892.4(DNMT3B):c.2058G>C (p.Glu686Asp)

Gene: DNMT3B (DNA methyltransferase 3 beta; plus strand). Cytogenetic location: 20q11.21.
Variant type: single nucleotide variant.
Coding change: c.2058G>C on transcript NM_006892.4 (MANE Select); coding-DNA position 2058, G replaced by C.
Protein change: p.Glu686Asp; replaces glutamic acid 686 with aspartic acid.
Molecular consequence: missense variant.
Genome position (GRCh38, 1-based): chr20:32,801,339, G>C. VCF-style: chr20-32801339-G-C. GRCh37 (hg19) VCF-style: chr20-31389145-G-C.
Other names: c.1872G>C, p.Glu624Asp (NM_001207055.2); c.1770G>C, p.Glu590Asp (NM_001207056.2); c.1998G>C, p.Glu666Asp (NM_175848.2, NM_175849.2); c.2034G>C, p.Glu678Asp (NM_175850.3); short protein forms E590D, E686D, E624D, E666D, E678D.
Identifiers: ClinVar variation 1391121 (VCV001391121.3), dbSNP rs773365247, ClinGen allele CA9810806.

ClinVar aggregate classification (germline): Uncertain significance (1 of 4 stars; one submission).

Conditions:
Centromeric instability of chromosomes 1,9 and 16 and immunodeficiency (ICF1). Also called: Immunodeficiency-centromeric instability-facial anomalies; IMMUNE DEFICIENCY, VARIABLE, WITH CENTROMERIC INSTABILITY OF CHROMOSOMES 1, 9, AND 16; IMMUNODEFICIENCY SYNDROME, VARIABLE; CENTROMERIC INSTABILITY, IMMUNODEFICIENCY SYNDROME. Identifiers: Orphanet 2268, MedGen C0398788, MONDO:0000133.

Allele frequency attached by ClinVar (database versions not stated): ExAC 0.00001; gnomAD 0.00001; gnomAD exomes 0.00001 and 0.00002.
gnomAD v4.1: 5 of 1,614,070 alleles (0.00031%); highest among the groups gnomAD compares: Admixed American, 0.0083%; no homozygotes.

Submission:

Labcorp Genetics (formerly Invitae), Labcorp
Classification: Uncertain significance for Centromeric instability of chromosomes 1,9 and 16 and immunodeficiency. Last evaluated: 2022-08-23. Review status: criteria provided, single submitter. Criteria: Invitae Variant Classification Sherloc (09022015). Collection method: clinical testing. Allele origin: germline.
Comment: This sequence change replaces glutamic acid, which is acidic and polar, with aspartic acid, which is acidic and polar, at codon 686 of the DNMT3B protein (p.Glu686Asp). This variant is present in population databases (rs773365247, gnomAD 0.01%). This variant has not been reported in the literature in individuals affected with DNMT3B-related conditions. ClinVar contains an entry for this variant (Variation ID: 1391121). Algorithms developed to predict the effect of missense changes on protein structure and function are either unavailable or do not agree on the potential impact of this missense change (SIFT: "Tolerated"; PolyPhen-2: "Probably Damaging"; Align-GVGD: "Class C0"). In summary, the available evidence is currently insufficient to determine the role of this variant in disease. Therefore, it has been classified as a Variant of Uncertain Significance.